The following is an entry in ClinVar:

ClinVar aggregate classification (germline): Uncertain significance (1 of 4 stars; one submission).

Allele frequency attached by ClinVar (database versions not stated): TOPMed 0.00006.
gnomAD v4.1: 23 of 1,597,038 alleles (0.0014%); highest among the groups gnomAD compares: Admixed American, 0.014%; no homozygotes.

Submission:

Labcorp Genetics (formerly Invitae), Labcorp
Classification: Uncertain significance. Last evaluated: 2025-04-17. Review status: criteria provided, single submitter. Criteria: Invitae Variant Classification Sherloc (09022015). Collection method: clinical testing. Allele origin: germline.
Comment: This sequence change replaces arginine, which is basic and polar, with tryptophan, which is neutral and slightly polar, at codon 362 of the PLEKHM2 protein (p.Arg362Trp). The frequency data for this variant in the population databases is considered unreliable, as metrics indicate poor data quality at this position in the gnomAD database. This variant has not been reported in the literature in individuals affected with PLEKHM2-related conditions. ClinVar contains an entry for this variant (Variation ID: 998423). An algorithm developed to predict the effect of missense changes on protein structure and function (PolyPhen-2) suggests that this variant is likely to be disruptive. In summary, the available evidence is currently insufficient to determine the role of this variant in disease. Therefore, it has been classified as a Variant of Uncertain Significance.

NM_015164.4(PLEKHM2):c.1084C>T (p.Arg362Trp)

Gene: PLEKHM2 (pleckstrin homology and RUN domain containing M2; plus strand). Cytogenetic location: 1p36.21.
Variant type: single nucleotide variant.
Coding change: c.1084C>T on transcript NM_015164.4 (MANE Select); coding-DNA position 1084, C replaced by T.
Protein change: p.Arg362Trp; replaces arginine 362 with tryptophan.
Molecular consequence: missense variant.
Genome position (GRCh38, 1-based): chr1:15,727,156, C>T. VCF-style: chr1-15727156-C-T. GRCh37 (hg19) VCF-style: chr1-16053651-C-T.
Other names: short protein forms R362W.
Identifiers: ClinVar variation 998423 (VCV000998423.8), dbSNP rs61738983, ClinGen allele CA616849.
Genomic context (GRCh38, chr1:15,727,156, plus strand): 5'-CAGAAGAAATGTGCCAAGCAGGGGGACGGTGACAGCCGCAACGGCAGCCCAAGCCTTGGG[C>T]GGGACTCGCCAGACACTATGCTTGCCTCCCCCCAGGAGGAGGGAGAGGGGCCGAGCAGCA-3'
Protein context (NP_055979.2, residues 352-372): DSRNGSPSLG[Arg362Trp]DSPDTMLASP